The following is an entry in ClinVar:

NM_031942.5(CDCA7):c.721C>T (p.Arg241Cys)

Gene: CDCA7 (cell division cycle associated 7; plus strand). Cytogenetic location: 2q31.1.
Variant type: single nucleotide variant.
Coding change: c.721C>T on transcript NM_031942.5 (MANE Select); coding-DNA position 721, C replaced by T.
Protein change: p.Arg241Cys; replaces arginine 241 with cysteine.
Molecular consequence: missense variant.
Genome position (GRCh38, 1-based): chr2:173,364,816, C>T. VCF-style: chr2-173364816-C-T. GRCh37 (hg19) VCF-style: chr2-174229544-C-T.
Other names: c.484C>T, p.Arg162Cys (NM_145810.3); short protein forms R162C, R241C.
Identifiers: ClinVar variation 1372353 (VCV001372353.8), dbSNP rs1328294188, ClinGen allele CA349328257.

ClinVar aggregate classification (germline): Uncertain significance (1 of 4 stars; one submission).

Allele frequency attached by ClinVar (database versions not stated): gnomAD exomes below 0.00001.

Submission:

Labcorp Genetics (formerly Invitae), Labcorp
Classification: Uncertain significance. Last evaluated: 2022-01-06. Review status: criteria provided, single submitter. Criteria: Invitae Variant Classification Sherloc (09022015). Collection method: clinical testing. Allele origin: germline.
Comment: This sequence change replaces arginine, which is basic and polar, with cysteine, which is neutral and slightly polar, at codon 241 of the CDCA7 protein (p.Arg241Cys). In summary, the available evidence is currently insufficient to determine the role of this variant in disease. Therefore, it has been classified as a Variant of Uncertain Significance. Algorithms developed to predict the effect of sequence changes on RNA splicing suggest that this variant may create or strengthen a splice site. Algorithms developed to predict the effect of missense changes on protein structure and function (SIFT, PolyPhen-2, Align-GVGD) all suggest that this variant is likely to be tolerated. This variant has not been reported in the literature in individuals affected with CDCA7-related conditions. This variant is present in population databases (no rsID available, gnomAD 0.0009%).